The following is an entry in ClinVar:

ClinVar aggregate classification (germline): Uncertain significance (1 of 4 stars; one submission).

Allele frequency attached by ClinVar (database versions not stated): gnomAD exomes below 0.00001; TOPMed below 0.00001; ExAC 0.00001.
gnomAD v4.1: 2 of 1,614,190 alleles (0.00012%); highest among the groups gnomAD compares: Admixed American, 0.0033%; no homozygotes.

Submission:

Labcorp Genetics (formerly Invitae), Labcorp
Classification: Uncertain significance. Last evaluated: 2024-04-08. Review status: criteria provided, single submitter. Criteria: Invitae Variant Classification Sherloc (09022015). Collection method: clinical testing. Allele origin: germline.
Comment: This sequence change replaces threonine, which is neutral and polar, with isoleucine, which is neutral and non-polar, at codon 1543 of the ADCY10 protein (p.Thr1543Ile). This variant is present in population databases (rs748002734, gnomAD 0.006%). This variant has not been reported in the literature in individuals affected with ADCY10-related conditions. Algorithms developed to predict the effect of missense changes on protein structure and function output the following: SIFT: "Not Available"; PolyPhen-2: "Benign"; Align-GVGD: "Not Available". The isoleucine amino acid residue is found in multiple mammalian species, which suggests that this missense change does not adversely affect protein function. In summary, the available evidence is currently insufficient to determine the role of this variant in disease. Therefore, it has been classified as a Variant of Uncertain Significance.

NM_018417.6(ADCY10):c.4628C>T (p.Thr1543Ile)

Gene: ADCY10 (adenylate cyclase 10; minus strand). Cytogenetic location: 1q24.2.
Variant type: single nucleotide variant.
Coding change: c.4628C>T on transcript NM_018417.6 (MANE Select); coding-DNA position 4628, C replaced by T.
Protein change: p.Thr1543Ile; replaces threonine 1543 with isoleucine.
Molecular consequence: missense variant.
Genome position (GRCh38, 1-based): chr1:167,810,768, G>A on the plus strand (C>T on the coding strand, the complement: ADCY10 is on the minus strand). VCF-style: chr1-167810768-G-A. GRCh37 (hg19) VCF-style: chr1-167780005-G-A.
Other names: c.4169C>T, p.Thr1390Ile (NM_001167749.3); c.4352C>T, p.Thr1451Ile (NM_001297772.2); short protein forms T1390I, T1543I, T1451I.
Identifiers: ClinVar variation 2999676 (VCV002999676.3), dbSNP rs748002734, ClinGen allele CA1226974.